The following is an entry in ClinVar:

ClinVar aggregate classification (germline): Uncertain significance (1 of 4 stars; one submission).

Conditions:
Infantile-onset ascending hereditary spastic paralysis (IAHSP). Also called: Infantile-Onset Ascending Hereditary Spastic Paralysis (IAHSP); Autosomal Recessive Juvenile Amyotrophic Lateral Sclerosis. Identifiers: Orphanet 293168, MedGen C2931441, MONDO:0011797, OMIM 607225. Disease mechanism: loss of function.

gnomAD v4.1: 1 of 1,613,836 alleles (0.000062%); highest among the groups gnomAD compares: Non-Finnish European, 0.000085%; no homozygotes.

Submission:

Labcorp Genetics (formerly Invitae), Labcorp
Classification: Uncertain significance for Infantile-onset ascending hereditary spastic paralysis. Last evaluated: 2022-06-12. Review status: criteria provided, single submitter. Criteria: Invitae Variant Classification Sherloc (09022015). Collection method: clinical testing. Allele origin: germline.
Comment: This sequence change replaces histidine, which is basic and polar, with glutamine, which is neutral and polar, at codon 696 of the ALS2 protein (p.His696Gln). In summary, the available evidence is currently insufficient to determine the role of this variant in disease. Therefore, it has been classified as a Variant of Uncertain Significance. Algorithms developed to predict the effect of missense changes on protein structure and function are either unavailable or do not agree on the potential impact of this missense change (SIFT: "Tolerated"; PolyPhen-2: "Probably Damaging"; Align-GVGD: "Class C0"). This variant has not been reported in the literature in individuals affected with ALS2-related conditions. This variant is not present in population databases (gnomAD no frequency).

NM_020919.4(ALS2):c.2088C>G (p.His696Gln)

Gene: ALS2 (alsin Rho guanine nucleotide exchange factor ALS2; minus strand). Cytogenetic location: 2q33.1.
Variant type: single nucleotide variant.
Coding change: c.2088C>G on transcript NM_020919.4 (MANE Select); coding-DNA position 2088, C replaced by G.
Protein change: p.His696Gln; replaces histidine 696 with glutamine.
Molecular consequence: missense variant.
Genome position (GRCh38, 1-based): chr2:201,744,340, G>C on the plus strand (C>G on the coding strand, the complement: ALS2 is on the minus strand). VCF-style: chr2-201744340-G-C. GRCh37 (hg19) VCF-style: chr2-202609063-G-C.
Other names: c.2088C>G, p.His696Gln (NM_001410975.1); short protein forms H696Q.
Identifiers: ClinVar variation 2005241 (VCV002005241.4), dbSNP rs762894364, ClinGen allele CA350325062.